The following is an entry in ClinVar:

ClinVar aggregate classification (germline): Uncertain significance (1 of 4 stars; one submission).

Conditions:
Long QT syndrome (LQTS). Identifiers: MedGen C0023976, MeSH D008133, MONDO:0002442. Disease mechanism: loss of function. Inheritance: Various modes of inheritance.

Allele frequency attached by ClinVar (database versions not stated): ExAC 0.00001; gnomAD exomes 0.00001.
gnomAD v4.1: 9 of 1,613,974 alleles (0.00056%); highest among the groups gnomAD compares: South Asian, 0.0099%; no homozygotes.

Submission:

Labcorp Genetics (formerly Invitae), Labcorp
Classification: Uncertain significance for Long QT syndrome. Last evaluated: 2019-08-26. Review status: criteria provided, single submitter. Criteria: Invitae Variant Classification Sherloc (09022015). Collection method: clinical testing. Allele origin: germline.
Comment: This sequence change replaces aspartic acid with glutamic acid at codon 676 of the ANK2 protein (p.Asp676Glu). The aspartic acid residue is moderately conserved and there is a small physicochemical difference between aspartic acid and glutamic acid. In summary, the available evidence is currently insufficient to determine the role of this variant in disease. Therefore, it has been classified as a Variant of Uncertain Significance. Algorithms developed to predict the effect of missense changes on protein structure and function are either unavailable or do not agree on the potential impact of this missense change (SIFT: "Tolerated"; PolyPhen-2: "Possibly Damaging"; Align-GVGD: "Class C0"). This variant has not been reported in the literature in individuals with ANK2-related conditions. This variant is present in population databases (rs748195396, ExAC 0.006%).

NM_001148.6(ANK2):c.2028T>A (p.Asp676Glu)

Gene: ANK2 (ankyrin 2; plus strand). Cytogenetic location: 4q26.
Variant type: single nucleotide variant.
Coding change: c.2028T>A on transcript NM_001148.6 (MANE Select); coding-DNA position 2028, T replaced by A.
Protein change: p.Asp676Glu; replaces aspartic acid 676 with glutamic acid.
Molecular consequence: missense variant.
Genome position (GRCh38, 1-based): chr4:113,282,821, T>A. VCF-style: chr4-113282821-T-A. GRCh37 (hg19) VCF-style: chr4-114203977-T-A.
Other names: c.1965T>A, p.Asp655Glu (NM_001127493.3, NM_001354239.2, NM_001354243.2 and 10 more transcripts); c.2028T>A, p.Asp676Glu (NM_001354225.2, NM_001354228.2, NM_001354232.2 and 6 more transcripts); c.2073T>A, p.Asp691Glu (NM_001354230.2, NM_001354231.2, NM_001354237.2 and 5 more transcripts); c.1929T>A, p.Asp643Glu (NM_001354245.2, NM_001354268.2); c.1941T>A, p.Asp647Glu (NM_001354249.2, NM_001354264.2, NM_001354266.2 and 10 more transcripts); c.1866T>A, p.Asp622Glu (NM_001354253.2, NM_001354257.2, NM_001354270.2 and 1 more transcripts); c.1842T>A, p.Asp614Glu (NM_001354260.2, NM_001354271.2, NM_001386151.1); c.1986T>A, p.Asp662Glu (NM_001354261.2, NM_001386147.1, NM_001386160.1); and 8 more; short protein forms D622E, D691E, D581E, D662E, D610E, D614E, D643E, D647E.
Identifiers: ClinVar variation 940086 (VCV000940086.6), dbSNP rs748195396, ClinGen allele CA3050422.